The following is an entry in ClinVar:

ClinVar aggregate classification (germline): Uncertain significance (1 of 4 stars; one submission).

Conditions:
Gastrointestinal stromal tumor. Also called: Gastrointestinal stromal tumor, somatic; Gastrointestinal stroma tumor. Identifiers: Orphanet 44890, MedGen C0238198, MeSH D046152, MONDO:0011719, OMIM 606764, HP:0100723.
Pheochromocytoma/paraganglioma syndrome 3. Also called: GLOMUS TUMORS, FAMILIAL, 3; SDHC-Related Hereditary Paraganglioma-Pheochromocytoma Syndrome; Paragangliomas 3; SDHC-Related Hereditary Paraganglioma-Pheochromocytoma Syndrome (Paragangliomas 3). Identifiers: Orphanet 29072, MedGen C1854336, MONDO:0011544, OMIM 605373.

Submission:

Labcorp Genetics (formerly Invitae), Labcorp
Classification: Uncertain significance for Pheochromocytoma/paraganglioma syndrome 3; Gastrointestinal stromal tumor. Last evaluated: 2019-11-06. Review status: criteria provided, single submitter. Criteria: Invitae Variant Classification Sherloc (09022015). Collection method: clinical testing. Allele origin: germline.
Comment: This variant has not been reported in the literature in individuals with SDHC-related conditions. This sequence change replaces cysteine with tyrosine at codon 13 of the SDHC protein (p.Cys13Tyr). The cysteine residue is moderately conserved and there is a large physicochemical difference between cysteine and tyrosine. This variant is not present in population databases (ExAC no frequency). Algorithms developed to predict the effect of missense changes on protein structure and function are either unavailable or do not agree on the potential impact of this missense change (SIFT: "Deleterious"; PolyPhen-2: "Benign"; Align-GVGD: "Class C0"). In summary, the available evidence is currently insufficient to determine the role of this variant in disease. Therefore, it has been classified as a Variant of Uncertain Significance.

NM_003001.5(SDHC):c.38G>A (p.Cys13Tyr)

Gene: SDHC (succinate dehydrogenase complex subunit C; plus strand). Cytogenetic location: 1q23.3.
Variant type: single nucleotide variant.
Coding change: c.38G>A on transcript NM_003001.5 (MANE Select); coding-DNA position 38, G replaced by A.
Protein change: p.Cys13Tyr; replaces cysteine 13 with tyrosine.
Molecular consequence: missense variant. On other transcripts: 5 prime UTR variant (2), non-coding transcript variant (1), intron variant (4).
Genome position (GRCh38, 1-based): chr1:161,323,631, G>A. VCF-style: chr1-161323631-G-A. GRCh37 (hg19) VCF-style: chr1-161293421-G-A.
Other names: c.38G>A, p.Cys13Tyr (NM_001035511.3, NM_001035512.3, NM_001278172.3 and 2 more transcripts); c.-74G>A (NM_001407119.1); c.-192G>A (NM_001407120.1); c.21-4765G>A (NM_001407116.1, NM_001407121.1, NM_001407117.1); c.20+9206G>A (NM_001035513.3); short protein forms C13Y.
Identifiers: ClinVar variation 957878 (VCV000957878.11), dbSNP rs1558164528, ClinGen allele CA343359369.